The following is an entry in ClinVar:

ClinVar aggregate classification (germline): Uncertain significance (1 of 4 stars; one submission).

Allele frequency attached by ClinVar (database versions not stated): TOPMed 0.00001; gnomAD exomes 0.00001.
gnomAD v4.1: 6 of 1,614,192 alleles (0.00037%); highest among the groups gnomAD compares: Non-Finnish European, 0.00051%; no homozygotes.

Submission:

Labcorp Genetics (formerly Invitae), Labcorp
Classification: Uncertain significance. Last evaluated: 2025-04-28. Review status: criteria provided, single submitter. Criteria: Invitae Variant Classification Sherloc (09022015). Collection method: clinical testing. Allele origin: germline.
Comment: This sequence change replaces serine, which is neutral and polar, with proline, which is neutral and non-polar, at codon 935 of the EFL1 protein (p.Ser935Pro). This variant is not present in population databases (gnomAD no frequency). This variant has not been reported in the literature in individuals affected with EFL1-related conditions. ClinVar contains an entry for this variant (Variation ID: 2000026). An algorithm developed to predict the effect of missense changes on protein structure and function outputs the following: PolyPhen-2: "Benign". The proline amino acid residue is found in multiple mammalian species, which suggests that this missense change does not adversely affect protein function. In summary, the available evidence is currently insufficient to determine the role of this variant in disease. Therefore, it has been classified as a Variant of Uncertain Significance.

NM_024580.6(EFL1):c.2803T>C (p.Ser935Pro)

Gene: EFL1 (elongation factor like GTPase 1; minus strand). Cytogenetic location: 15q25.2.
Variant type: single nucleotide variant.
Coding change: c.2803T>C on transcript NM_024580.6 (MANE Select); coding-DNA position 2803, T replaced by C.
Protein change: p.Ser935Pro; replaces serine 935 with proline.
Molecular consequence: missense variant. On other transcripts: non-coding transcript variant (1).
Genome position (GRCh38, 1-based): chr15:82,151,651, A>G on the plus strand (T>C on the coding strand, the complement: EFL1 is on the minus strand). VCF-style: chr15-82151651-A-G. GRCh37 (hg19) VCF-style: chr15-82443992-A-G.
Other names: c.2650T>C, p.Ser884Pro (NM_001040610.3); c.2014T>C, p.Ser672Pro (NM_001322844.2); c.2803T>C, p.Ser935Pro (NM_001322845.2); short protein forms S935P, S672P, S884P.
Identifiers: ClinVar variation 2000026 (VCV002000026.4), dbSNP rs2073909361, ClinGen allele CA393286369.